The following is an entry in ClinVar:

NM_014989.7(RIMS1):c.650G>A (p.Arg217Gln)

Gene: RIMS1 (regulating synaptic membrane exocytosis 1; plus strand). Cytogenetic location: 6q13.
Variant type: single nucleotide variant.
Coding change: c.650G>A on transcript NM_014989.7 (MANE Select); coding-DNA position 650, G replaced by A.
Protein change: p.Arg217Gln; replaces arginine 217 with glutamine.
Molecular consequence: missense variant.
Genome position (GRCh38, 1-based): chr6:72,179,753, G>A. VCF-style: chr6-72179753-G-A. GRCh37 (hg19) VCF-style: chr6-72889456-G-A.
Other names: c.650G>A (NM_014989.4); short protein forms R217Q.
Identifiers: ClinVar variation 2419452 (VCV002419452.7), dbSNP rs371778876, ClinGen allele CA3885564.
Genomic context (GRCh38, chr6:72,179,753, plus strand): 5'-CTACAGGTGCTGGCTCTGAGGTACCAAGAGAAAAGAAAGCACGACTCCAAGAGCGATCGC[G>A]GTCTCAGACACCCCTAAGCACAGCAGCTGCCTCCTCCCAGGATGCTGCTCCTCCCAGCGC-3'
Protein context (NP_055804.2, residues 207-227): EKKARLQERS[Arg217Gln]SQTPLSTAAA

ClinVar aggregate classification (germline): Uncertain significance. Review status: criteria provided, multiple submitters, no conflicts (2 of 4 stars). 2 submissions from 2 submitters: Uncertain significance (2). Last evaluated 2025-08-14.

Allele frequency attached by ClinVar (database versions not stated): ExAC 0.00001; gnomAD 0.00001; TOPMed 0.00002; ESP Exome Variant Server 0.00008.
gnomAD v4.1: 5 of 1,613,642 alleles (0.00031%); highest among the groups gnomAD compares: Admixed American, 0.0017%; no homozygotes.

Submissions (2):

Ambry Genetics
Classification: Uncertain significance. Last evaluated: 2025-08-14. Review status: criteria provided, single submitter. Criteria: Ambry Variant Classification Scheme 2023. Collection method: clinical testing. Allele origin: germline.

Labcorp Genetics (formerly Invitae), Labcorp
Classification: Uncertain significance. Last evaluated: 2024-01-02. Review status: criteria provided, single submitter. Criteria: Invitae Variant Classification Sherloc (09022015). Collection method: clinical testing. Allele origin: germline.
Comment: This sequence change replaces arginine, which is basic and polar, with glutamine, which is neutral and polar, at codon 217 of the RIMS1 protein (p.Arg217Gln). This variant is not present in population databases (gnomAD no frequency). This variant has not been reported in the literature in individuals affected with RIMS1-related conditions. ClinVar contains an entry for this variant (Variation ID: 2419452). An algorithm developed to predict the effect of missense changes on protein structure and function (PolyPhen-2) suggests that this variant is likely to be disruptive. In summary, the available evidence is currently insufficient to determine the role of this variant in disease. Therefore, it has been classified as a Variant of Uncertain Significance.